The following is an entry in ClinVar:

NM_001009999.3(KDM1A):c.2326C>T (p.Arg776Cys)

Gene: KDM1A (lysine demethylase 1A; plus strand). Cytogenetic location: 1p36.12.
Variant type: single nucleotide variant.
Coding change: c.2326C>T on transcript NM_001009999.3 (MANE Select); coding-DNA position 2326, C replaced by T.
Protein change: p.Arg776Cys; replaces arginine 776 with cysteine.
Molecular consequence: missense variant.
Genome position (GRCh38, 1-based): chr1:23,082,247, C>T. VCF-style: chr1-23082247-C-T. GRCh37 (hg19) VCF-style: chr1-23408740-C-T.
Other names: c.2272C>T, p.Arg758Cys (NM_001363654.2); c.2332C>T, p.Arg778Cys (NM_001410762.1); c.2254C>T, p.Arg752Cys (NM_001410763.1, NM_015013.4); short protein forms R752C, R778C, R758C, R776C.
Identifiers: ClinVar variation 3532941 (VCV003532941.1).

ClinVar aggregate classification (germline): Uncertain significance (1 of 4 stars; one submission).

Conditions:
Inborn genetic diseases. Identifiers: MedGen C0950123, MeSH D030342.

gnomAD v4.1: 6 of 1,613,500 alleles (0.00037%); highest among the groups gnomAD compares: African/African-American, 0.0027%; no homozygotes.

Submission:

Ambry Genetics
Classification: Uncertain significance for Inborn genetic diseases. Last evaluated: 2024-11-26. Review status: criteria provided, single submitter. Criteria: Ambry Variant Classification Scheme 2023. Collection method: clinical testing. Allele origin: germline.
Comment: The p.R776C variant (also known as c.2326C>T), located in coding exon 20 of the KDM1A gene, results from a C to T substitution at nucleotide position 2326. The arginine at codon 776 is replaced by cysteine, an amino acid with highly dissimilar properties. This amino acid position is conserved. In addition, the in silico prediction for this alteration is inconclusive. Based on the available evidence, the clinical significance of this variant remains unclear.